The following is an entry in ClinVar:

NM_182961.4(SYNE1):c.23983G>A (p.Glu7995Lys)

Gene: SYNE1 (spectrin repeat containing nuclear envelope protein 1; minus strand). Cytogenetic location: 6q25.2.
Variant type: single nucleotide variant.
Coding change: c.23983G>A on transcript NM_182961.4 (MANE Select); coding-DNA position 23983, G replaced by A.
Protein change: p.Glu7995Lys; replaces glutamic acid 7995 with lysine.
Molecular consequence: missense variant.
Genome position (GRCh38, 1-based): chr6:152,155,038, C>T on the plus strand (G>A on the coding strand, the complement: SYNE1 is on the minus strand). VCF-style: chr6-152155038-C-T. GRCh37 (hg19) VCF-style: chr6-152476173-C-T.
Other names: c.589G>A, p.Glu197Lys (NM_001347701.2); c.448G>A, p.Glu150Lys (NM_001347702.2); c.23770G>A, p.Glu7924Lys (NM_033071.5); short protein forms E150K, E197K, E7924K, E7995K.
Identifiers: ClinVar variation 994803 (VCV000994803.6), dbSNP rs781626097, ClinGen allele CA4053283.

ClinVar aggregate classification (germline): Uncertain significance. Review status: criteria provided, multiple submitters, no conflicts (2 of 4 stars). 3 submissions from 3 submitters: Uncertain significance (3). Last evaluated 2024-03-29.

Conditions:
Emery-Dreifuss muscular dystrophy 4, autosomal dominant (EDMD4). Also called: EMERY-DREIFUSS MUSCULAR DYSTROPHY 4 WITH VARIABLE FEATURES. Identifiers: Orphanet 261, MedGen C2751807, MONDO:0013071, OMIM 612998.
Autosomal recessive ataxia, Beauce type. Also called: SYNE1 Deficiency; ATAXIA, RECESSIVE, OF BEAUCE; Spinocerebellar ataxia, autosomal recessive 8; SYNE1-Related Autosomal Recessive Cerebellar Ataxia. Identifiers: Orphanet 88644, MedGen C1853116, MONDO:0012549, OMIM 610743.

Allele frequency attached by ClinVar (database versions not stated): ExAC 0.00002; TOPMed 0.00002; gnomAD exomes 0.00003 and 0.00005; gnomAD 0.00005 and 0.00006.
gnomAD v4.1: 77 of 1,613,940 alleles (0.0048%); highest among the groups gnomAD compares: Middle Eastern, 0.016%; no homozygotes.

Submissions (3):

Athena Diagnostics
Classification: Uncertain significance. Last evaluated: 2024-03-29. Review status: criteria provided, single submitter. Criteria: Athena Diagnostics Criteria. Collection method: clinical testing. Allele origin: unknown.
Comment: Available data are insufficient to determine the clinical significance of the variant at this time. The frequency of this variant in the general population is uninformative in assessment of its pathogenicity. Computational tools disagree on the variant's effect on normal protein function.

Labcorp Genetics (formerly Invitae), Labcorp
Classification: Uncertain significance for Emery-Dreifuss muscular dystrophy 4, autosomal dominant; Autosomal recessive ataxia, Beauce type. Last evaluated: 2021-08-17. Review status: criteria provided, single submitter. Criteria: Invitae Variant Classification Sherloc (09022015). Collection method: clinical testing. Allele origin: germline.
Comment: This sequence change replaces glutamic acid with lysine at codon 7924 of the SYNE1 protein (p.Glu7924Lys). The glutamic acid residue is highly conserved and there is a small physicochemical difference between glutamic acid and lysine. This variant is present in population databases (rs781626097, ExAC 0.01%). This variant has not been reported in the literature in individuals affected with SYNE1-related conditions. ClinVar contains an entry for this variant (Variation ID: 994803). Algorithms developed to predict the effect of missense changes on protein structure and function are either unavailable or do not agree on the potential impact of this missense change (SIFT: "Deleterious"; PolyPhen-2: "Probably Damaging"; Align-GVGD: "Class C0"). In summary, the available evidence is currently insufficient to determine the role of this variant in disease. Therefore, it has been classified as a Variant of Uncertain Significance.

Blueprint Genetics
Classification: Uncertain significance. Last evaluated: 2021-02-22. Review status: criteria provided, single submitter. Criteria: ACMG Guidelines, 2015. Collection method: clinical testing. Allele origin: germline.